The following is an entry in ClinVar:

ClinVar aggregate classification (germline): Uncertain significance (1 of 4 stars; one submission).

Conditions:
Lymphoproliferative syndrome 1 (LPFS1). Identifiers: Orphanet 238505, Orphanet 538963, MedGen C3552634, MONDO:0013081, OMIM 613011.

Submission:

Labcorp Genetics (formerly Invitae), Labcorp
Classification: Uncertain significance for Lymphoproliferative syndrome 1. Last evaluated: 2025-08-05. Review status: criteria provided, single submitter. Criteria: Invitae Variant Classification Sherloc (09022015). Collection method: clinical testing. Allele origin: germline.
Comment: This sequence change replaces cysteine, which is neutral and slightly polar, with serine, which is neutral and polar, at codon 432 of the ITK protein (p.Cys432Ser). This variant is not present in population databases (gnomAD no frequency). This variant has not been reported in the literature in individuals affected with ITK-related conditions. Invitae Evidence Modeling of protein sequence and biophysical properties (such as structural, functional, and spatial information, amino acid conservation, physicochemical variation, residue mobility, and thermodynamic stability) indicates that this missense variant is expected to disrupt ITK protein function with a positive predictive value of 80%. In summary, the available evidence is currently insufficient to determine the role of this variant in disease. Therefore, it has been classified as a Variant of Uncertain Significance.

NM_005546.4(ITK):c.1294T>A (p.Cys432Ser)

Gene: ITK (IL2 inducible T cell kinase; plus strand). Cytogenetic location: 5q33.3.
Variant type: single nucleotide variant.
Coding change: c.1294T>A on transcript NM_005546.4 (MANE Select); coding-DNA position 1294, T replaced by A.
Protein change: p.Cys432Ser; replaces cysteine 432 with serine.
Molecular consequence: missense variant.
Genome position (GRCh38, 1-based): chr5:157,244,323, T>A. VCF-style: chr5-157244323-T-A. GRCh37 (hg19) VCF-style: chr5-156671333-T-A.
Other names: short protein forms C432S.
Identifiers: ClinVar variation 4774149 (VCV004774149.1).